The following is an entry in ClinVar:

ClinVar aggregate classification (germline): Uncertain significance (0 of 4 stars; one submission).

Conditions:
GNAS-related disorder. Identifiers: MedGen CN380105.

Allele frequency attached by ClinVar (database versions not stated): ExAC 0.00001.
gnomAD v4.1: 1 of 1,613,320 alleles (0.000062%); highest among the groups gnomAD compares: Admixed American, 0.0017%; no homozygotes.

Submission:

PreventionGenetics, part of Exact Sciences
Classification: Uncertain significance for GNAS-related condition. Last evaluated: 2023-11-01. Review status: no assertion criteria provided. Collection method: clinical testing. Allele origin: germline.
Comment: The GNAS c.286T>G variant is predicted to result in the amino acid substitution p.Ser96Ala. To our knowledge, this variant has not been reported in the literature. This variant is reported in 0.0029% of alleles in individuals of Latino descent in gnomAD. At this time, the clinical significance of this variant is uncertain due to the absence of conclusive functional and genetic evidence.

NM_016592.5(GNAS):c.286T>G (p.Ser96Ala)

Genes: GNAS (GNAS complex locus; plus strand), GNAS-AS1 (GNAS antisense RNA 1; minus strand). Cytogenetic location: 20q13.32.
Variant type: single nucleotide variant.
Coding change: c.286T>G on transcript NM_016592.5 (MANE Plus Clinical); coding-DNA position 286, T replaced by G.
Protein change: p.Ser96Ala; replaces serine 96 with alanine.
Molecular consequence: missense variant. On other transcripts: 5 prime UTR variant (1).
Genome position (GRCh38, 1-based): chr20:58,840,392, T>G. VCF-style: chr20-58840392-T-G. GRCh37 (hg19) VCF-style: chr20-57415447-T-G.
Other names: c.-452T>G (NM_001410912.1); short protein forms S96A.
Identifiers: ClinVar variation 3031307 (VCV003031307.2), dbSNP rs759617960, ClinGen allele CA9926289.